The following is an entry in ClinVar:

ClinVar aggregate classification (germline): Pathogenic/Likely pathogenic. Review status: criteria provided, multiple submitters, no conflicts (2 of 4 stars). 3 submissions from 3 submitters: Pathogenic (1); Likely pathogenic (2). Last evaluated 2023-08-16.

Conditions:
POLR3A-related disorder. Also called: POLR3A-related disorders; POLR3A-related condition. Identifiers: MedGen CN378587, MONDO:0700276.
Leukodystrophy. Identifiers: Orphanet 68356, MedGen C0023520, MONDO:0019046, HP:0002415.

Allele frequency attached by ClinVar (database versions not stated): gnomAD exomes 0.00001.
gnomAD v4.1: 26 of 1,613,820 alleles (0.0016%); highest among the groups gnomAD compares: Non-Finnish European, 0.0022%; no homozygotes.

Submissions (3):

Labcorp Genetics (formerly Invitae), Labcorp
Classification: Pathogenic. Last evaluated: 2023-08-16. Review status: criteria provided, single submitter. Criteria: Invitae Variant Classification Sherloc (09022015). Collection method: clinical testing. Allele origin: germline.
Comment: This sequence change creates a premature translational stop signal (p.Tyr1223*) in the POLR3A gene. It is expected to result in an absent or disrupted protein product. Loss-of-function variants in POLR3A are known to be pathogenic (PMID: 21855841, 25339210, 27612211, 30414627, 30450527). This variant is present in population databases (no rsID available, gnomAD 0.002%). This variant has not been reported in the literature in individuals affected with POLR3A-related conditions. ClinVar contains an entry for this variant (Variation ID: 1429579). For these reasons, this variant has been classified as Pathogenic.

Broad Center for Mendelian Genomics, Broad Institute of MIT and Harvard
Classification: Likely pathogenic for Leukodystrophy. Last evaluated: 2023-01-24. Review status: criteria provided, single submitter. Criteria: ACMG Guidelines, 2015. Collection method: curation. Allele origin: germline. Inheritance: Autosomal recessive inheritance.
Comment: The p.Tyr1223Ter variant in POLR3A has not been previously reported in the literature in individuals with hypomyelinating leukodystrophy but has been identified in 0.002% (2/113534) of European (Non-Finnish) chromosomes by the Genome Aggregation Database (gnomAD; dbSNP ID: rs1337528878). Although this variant has been seen in the general population in a heterozygous state, its frequency is low enough to be consistent with a recessive carrier frequency. This variant has also been reported in ClinVar (Variation ID#: 1429579) and has been interpreted as pathogenic by Invitae. This nonsense variant leads to a premature termination codon at position 1223, which is predicted to lead to a truncated or absent protein. Loss of function of the POLR3A gene is an established disease mechanism in autosomal recessive hypomyelinating leukodystrophy. In summary, although additional studies are required to fully establish its clinical significance, this variant is likely pathogenic for autosomal recessive hypomyelinating leukodystrophy. ACMG/AMP Criteria applied: PVS1, PM2 (Richards 2015).

Blueprint Genetics
Classification: Likely pathogenic for POLR3A-related disorders. Last evaluated: 2022-10-28. Review status: criteria provided, single submitter. Criteria: ACMG Guidelines, 2015. Collection method: clinical testing. Allele origin: germline. Affected: yes. Observed: 1 variant allele.

Literature cited by the submitters: PubMed 21855841 (cited by Labcorp Genetics (formerly Invitae), Labcorp); PubMed 25339210 (cited by Labcorp Genetics (formerly Invitae), Labcorp); PubMed 27612211 (cited by Labcorp Genetics (formerly Invitae), Labcorp); PubMed 30414627 (cited by Labcorp Genetics (formerly Invitae), Labcorp); PubMed 30450527 (cited by Labcorp Genetics (formerly Invitae), Labcorp).

NM_007055.4(POLR3A):c.3669C>A (p.Tyr1223Ter)

Gene: POLR3A (RNA polymerase III subunit A; minus strand). Cytogenetic location: 10q22.3.
Variant type: single nucleotide variant.
Coding change: c.3669C>A on transcript NM_007055.4 (MANE Select); coding-DNA position 3669, C replaced by A.
Protein change: p.Tyr1223Ter; replaces tyrosine 1223 with a stop codon.
Molecular consequence: nonsense.
Genome position (GRCh38, 1-based): chr10:77,982,244, G>T on the plus strand (C>A on the coding strand, the complement: POLR3A is on the minus strand). VCF-style: chr10-77982244-G-T. GRCh37 (hg19) VCF-style: chr10-79742002-G-T.
Other names: NM_007055.4(POLR3A):c.3669C>A; p.Tyr1223Ter; short protein forms Y1223*.
Identifiers: ClinVar variation 1429579 (VCV001429579.7), dbSNP rs1337528878, ClinGen allele CA377327450.
Genomic context (GRCh38, chr10:77,982,244, plus strand): 5'-GCCCTTCACACCGTGTGTGGCCATGACTGCCCGCAGGTTATCACCTTCCACCAGAAGCTT[G>T]TACTTCTCCTTTCCACTCTGCTCGTCAATGTGGATGACAGCTCTGGACACCTCTGGAATG-3'